The following is an entry in ClinVar:

NM_199420.4(POLQ):c.1121C>G (p.Pro374Arg)

Gene: POLQ (DNA polymerase theta; minus strand). Cytogenetic location: 3q13.33.
Variant type: single nucleotide variant.
Coding change: c.1121C>G on transcript NM_199420.4 (MANE Select); coding-DNA position 1121, C replaced by G.
Protein change: p.Pro374Arg; replaces proline 374 with arginine.
Molecular consequence: missense variant.
Genome position (GRCh38, 1-based): chr3:121,522,137, G>C on the plus strand (C>G on the coding strand, the complement: POLQ is on the minus strand). VCF-style: chr3-121522137-G-C. GRCh37 (hg19) VCF-style: chr3-121240984-G-C.
Other names: short protein forms P374R.
Identifiers: ClinVar variation 1797874 (VCV001797874.2), dbSNP rs369501459, ClinGen allele CA354122075.
Genomic context (GRCh38, chr3:121,522,137, plus strand): 5'-AACTGATCCATCACTTCCAGGAGTTCTTTTTGTTCCAGAATTACTGGTGGGCATTCAGAG[G>C]GTTTCACCAATCCTGTCACAAAAAAATTATCAACACCATTTGCTTCTAACTCAGCTTCTT-3'
Protein context (NP_955452.3, residues 364-384): LHHQAEGLVK[Pro374Arg]SECPPVILEQ

ClinVar aggregate classification (germline): Uncertain significance (1 of 4 stars; one submission).

gnomAD v4.1: 1 of 1,598,136 alleles (0.000063%); highest among the groups gnomAD compares: Admixed American, 0.0018%; no homozygotes.

Submission:

Ambry Genetics
Classification: Uncertain significance. Last evaluated: 2021-11-30. Review status: criteria provided, single submitter. Criteria: Ambry Variant Classification Scheme 2023. Collection method: clinical testing. Allele origin: germline.
Comment: The p.P374R variant (also known as c.1121C>G), located in coding exon 8 of the POLQ gene, results from a C to G substitution at nucleotide position 1121. The proline at codon 374 is replaced by arginine, an amino acid with dissimilar properties. This amino acid position is conserved. In addition, this alteration is predicted to be tolerated by in silico analysis. Since supporting evidence is limited at this time, the clinical significance of this alteration remains unclear.